The following is an entry in ClinVar:

NM_020738.4(KIDINS220):c.3969C>T (p.Pro1323=)

Gene: KIDINS220 (kinase D interacting substrate 220; minus strand). Cytogenetic location: 2p25.1.
Variant type: single nucleotide variant.
Coding change: c.3969C>T on transcript NM_020738.4 (MANE Select); coding-DNA position 3969, C replaced by T.
Protein change: p.Pro1323=; no amino-acid change (proline 1323 retained).
Molecular consequence: synonymous variant. On other transcripts: non-coding transcript variant (2).
Genome position (GRCh38, 1-based): chr2:8,733,528, G>A on the plus strand (C>T on the coding strand, the complement: KIDINS220 is on the minus strand). VCF-style: chr2-8733528-G-A. GRCh37 (hg19) VCF-style: chr2-8873658-G-A.
Other names: c.3969C>T (NM_020738.2); c.3972C>T, p.Pro1324= (NM_001348729.2); c.3915C>T, p.Pro1305= (NM_001348731.2); c.3912C>T, p.Pro1304= (NM_001348732.2, NM_001348738.2); c.3801C>T, p.Pro1267= (NM_001348734.2, NM_001348739.2, NM_001348740.2); c.3798C>T, p.Pro1266= (NM_001348735.2, NM_001348741.2, NM_001348742.2 and 1 more transcripts); c.3672C>T, p.Pro1224= (NM_001348736.2).
Identifiers: ClinVar variation 1929999 (VCV001929999.6), dbSNP rs769639699, ClinGen allele CA1519458.

ClinVar aggregate classification (germline): Likely benign. Review status: criteria provided, single submitter (1 of 4 stars). 2 submissions from 2 submitters: Likely benign (1). 1 of the submissions does not count toward it. Last evaluated 2023-05-10.

Conditions:
KIDINS220-related disorder. Also called: KIDINS220-related condition.

Allele frequency attached by ClinVar (database versions not stated): gnomAD exomes 0.00001; ExAC 0.00002; TOPMed 0.00008.
gnomAD v4.1: 18 of 1,614,040 alleles (0.0011%); highest among the groups gnomAD compares: African/African-American, 0.021%; no homozygotes.

Submissions (2):

Labcorp Genetics (formerly Invitae), Labcorp
Classification: Likely benign. Last evaluated: 2023-05-10. Review status: criteria provided, single submitter. Criteria: Invitae Variant Classification Sherloc (09022015). Collection method: clinical testing. Allele origin: germline.

PreventionGenetics, part of Exact Sciences
Classification: Likely benign for KIDINS220-related condition. Last evaluated: 2021-11-19. Review status: no assertion criteria provided. Collection method: clinical testing. Allele origin: germline. Not counted in ClinVar's aggregate classification.
Comment: This variant is classified as likely benign based on ACMG/AMP sequence variant interpretation guidelines (Richards et al. 2015 PMID: 25741868, with internal and published modifications).